The following is an entry in ClinVar:

NM_032447.5(FBN3):c.5353G>A (p.Gly1785Ser)

Gene: FBN3 (fibrillin 3; minus strand). Cytogenetic location: 19p13.2.
Variant type: single nucleotide variant.
Coding change: c.5353G>A on transcript NM_032447.5 (MANE Select); coding-DNA position 5353, G replaced by A.
Protein change: p.Gly1785Ser; replaces glycine 1785 with serine.
Molecular consequence: missense variant.
Genome position (GRCh38, 1-based): chr19:8,096,941, C>T on the plus strand (G>A on the coding strand, the complement: FBN3 is on the minus strand). VCF-style: chr19-8096941-C-T. GRCh37 (hg19) VCF-style: chr19-8161825-C-T.
Other names: c.5353G>A, p.Gly1785Ser (NM_001321431.2); c.5353G>A (NM_001321431.1); short protein forms G1785S.
Identifiers: ClinVar variation 708845 (VCV000708845.10), dbSNP rs149549572, ClinGen allele CA9151694.
Genomic context (GRCh38, chr19:8,096,941, plus strand): 5'-CCACACAAGCCCCGCCTGGCGACAGTTTGTACCCTCGGGTGCACTTGCAGCGGTAGCTAC[C>T]GGGGATGTTGATGCAGTCAGCATTCTGCTGGCAGGGACTCTCCCTGCTGCCACACTCATC-3'
Protein context (NP_115823.3, residues 1775-1795): QQNADCINIP[Gly1785Ser]SYRCKCTRGY

ClinVar aggregate classification (germline): Likely benign. Review status: criteria provided, single submitter (1 of 4 stars). 2 submissions from 2 submitters: Likely benign (1). 1 of the submissions does not count toward it. Last evaluated 2026-02-04.

Conditions:
FBN3-related disorder. Also called: FBN3-related condition.

Allele frequency attached by ClinVar (database versions not stated): gnomAD exomes 0.00091; ExAC 0.00101; 1000 Genomes Project 0.00200; 1000 Genomes Project 30x 0.00203; gnomAD 0.00210 and 0.00229; ESP Exome Variant Server 0.00231; TOPMed 0.00257.
gnomAD v4.1: 1,019 of 1,613,792 alleles (0.063%); highest among the groups gnomAD compares: African/African-American, 0.61%; 2 homozygotes.

Submissions (2):

Labcorp Genetics (formerly Invitae), Labcorp
Classification: Likely benign. Last evaluated: 2026-02-04. Review status: criteria provided, single submitter. Criteria: Invitae Variant Classification Sherloc (09022015). Collection method: clinical testing. Allele origin: germline.

PreventionGenetics, part of Exact Sciences
Classification: Likely benign for FBN3-related condition. Last evaluated: 2019-08-09. Review status: no assertion criteria provided. Collection method: clinical testing. Allele origin: germline. Not counted in ClinVar's aggregate classification.
Comment: This variant is classified as likely benign based on ACMG/AMP sequence variant interpretation guidelines (Richards et al. 2015 PMID: 25741868, with internal and published modifications).